The following is an entry in ClinVar:

ClinVar aggregate classification (germline): Uncertain significance. Review status: criteria provided, multiple submitters, no conflicts (2 of 4 stars). 6 submissions from 6 submitters: Uncertain significance (6). Last evaluated 2026-02-20.

Conditions:
Familial cancer of breast. Also called: BREAST CANCER, FAMILIAL; hereditary breast carcinoma; Hereditary breast cancer. Identifiers: Orphanet 227535, MedGen C0346153, MONDO:0016419, OMIM 114480. Disease mechanism: loss of function.
Hereditary cancer-predisposing syndrome. Also called: Neoplastic Syndromes, Hereditary; Tumor predisposition; Hereditary Cancer Syndrome; Hereditary neoplastic syndrome. Identifiers: Orphanet 140162, MedGen C0027672, MeSH D009386, MONDO:0015356.

Allele frequency attached by ClinVar (database versions not stated): gnomAD 0.00002 and 0.00003; TOPMed 0.00003; 1000 Genomes Project 30x 0.00016; 1000 Genomes Project 0.00020.
gnomAD v4.1: 5 of 1,614,136 alleles (0.00031%); highest among the groups gnomAD compares: African/African-American, 0.0067%; no homozygotes.

Submissions (6):

St. Jude Molecular Pathology, St. Jude Children's Research Hospital
Classification: Uncertain significance for Familial cancer of breast. Last evaluated: 2026-02-20. Review status: criteria provided, single submitter. Criteria: St. Jude Assertion Criteria 2020. Collection method: clinical testing. Allele origin: germline.
Comment: The BARD1 .994A>C p.(Ile332Leu) missense change has a maximum subpopulation frequency of 0.0062% in gnomAD v2.1.1. The in silico tool REVEL predicts a benign effect on protein function, but this prediction has not been confirmed by functional studies. To our knowledge, this variant has not been reported in individuals with BARD1-related dis ease. In summary, the evidence currently available is insufficient to determine the clinical significance of this variant. It has therefore been classified as of uncertain significance.

Labcorp Genetics (formerly Invitae), Labcorp
Classification: Uncertain significance for Familial cancer of breast. Last evaluated: 2025-10-23. Review status: criteria provided, single submitter. Criteria: Invitae Variant Classification Sherloc (09022015). Collection method: clinical testing. Allele origin: germline.
Comment: This sequence change replaces isoleucine, which is neutral and non-polar, with leucine, which is neutral and non-polar, at codon 332 of the BARD1 protein (p.Ile332Leu). This variant is present in population databases (rs543606863, gnomAD 0.007%). This variant has not been reported in the literature in individuals affected with BARD1-related conditions. ClinVar contains an entry for this variant (Variation ID: 233367). An algorithm developed to predict the effect of missense changes on protein structure and function (PolyPhen-2) suggests that this variant is likely to be tolerated. In summary, the available evidence is currently insufficient to determine the role of this variant in disease. Therefore, it has been classified as a Variant of Uncertain Significance.

Fulgent Genetics
Classification: Uncertain significance for Familial cancer of breast. Last evaluated: 2024-06-10. Review status: criteria provided, single submitter. Criteria: ACMG Guidelines, 2015. Collection method: clinical testing. Allele origin: germline.

Color Diagnostics, LLC DBA Color Health
Classification: Uncertain significance for Hereditary cancer-predisposing syndrome. Last evaluated: 2024-03-06. Review status: criteria provided, single submitter. Criteria: ACMG Guidelines, 2015. Collection method: clinical testing. Allele origin: germline.
Comment: This missense variant replaces isoleucine with leucine at codon 332 of the BARD1 protein. Computational prediction suggests that this variant may not impact protein structure and function (internally defined REVEL score threshold <= 0.5, PMID: 27666373). To our knowledge, functional studies have not been reported for this variant. This variant has not been reported in individuals affected with hereditary cancer in the literature. This variant has been identified in 1/251118 chromosomes in the general population by the Genome Aggregation Database (gnomAD). The available evidence is insufficient to determine the role of this variant in disease conclusively. Therefore, this variant is classified as a Variant of Uncertain Significance.

Ambry Genetics
Classification: Uncertain significance for Hereditary cancer-predisposing syndrome. Last evaluated: 2024-03-05. Review status: criteria provided, single submitter. Criteria: Ambry Variant Classification Scheme 2023. Collection method: clinical testing. Allele origin: germline.
Comment: The p.I332L variant (also known as c.994A>C), located in coding exon 4 of the BARD1 gene, results from an A to C substitution at nucleotide position 994. The isoleucine at codon 332 is replaced by leucine, an amino acid with highly similar properties. This amino acid position is not well conserved in available vertebrate species. In addition, this alteration is predicted to be tolerated by in silico analysis. Since supporting evidence is limited at this time, the clinical significance of this alteration remains unclear.

GeneDx
Classification: Uncertain significance. Last evaluated: 2022-09-30. Review status: criteria provided, single submitter. Criteria: GeneDx Variant Classification Process June 2021. Collection method: clinical testing. Allele origin: germline. Affected: yes.
Comment: Not observed at significant frequency in large population cohorts (gnomAD); In silico analysis supports that this missense variant does not alter protein structure/function; Has not been previously published as pathogenic or benign to our knowledge; This variant is associated with the following publications: (PMID: 15632137)

NM_000465.4(BARD1):c.994A>C (p.Ile332Leu)

Gene: BARD1 (BRCA1 associated RING domain 1; minus strand). Cytogenetic location: 2q35.
Variant type: single nucleotide variant.
Coding change: c.994A>C on transcript NM_000465.4 (MANE Select); coding-DNA position 994, A replaced by C.
Protein change: p.Ile332Leu; replaces isoleucine 332 with leucine.
Molecular consequence: missense variant. On other transcripts: non-coding transcript variant (2), intron variant (3).
Genome position (GRCh38, 1-based): chr2:214,780,880, T>G on the plus strand (A>C on the coding strand, the complement: BARD1 is on the minus strand). VCF-style: chr2-214780880-T-G. GRCh37 (hg19) VCF-style: chr2-215645604-T-G.
Other names: c.937A>C, p.Ile313Leu (NM_001282543.2); c.159-28325A>C (NM_001282548.2); c.215+16181A>C (NM_001282545.2); c.364+11417A>C (NM_001282549.2); short protein forms I332L, I313L.
Identifiers: ClinVar variation 233367 (VCV000233367.22), dbSNP rs543606863, ClinGen allele CA2090350.